The following is an entry in ClinVar:

NM_018685.5(ANLN):c.1848A>G (p.Thr616=)

Gene: ANLN (anillin, actin binding protein; plus strand). Cytogenetic location: 7p14.2.
Variant type: single nucleotide variant.
Coding change: c.1848A>G on transcript NM_018685.5 (MANE Select); coding-DNA position 1848, A replaced by G.
Protein change: p.Thr616=; no amino-acid change (threonine 616 retained).
Molecular consequence: synonymous variant.
Genome position (GRCh38, 1-based): chr7:36,419,458, A>G. VCF-style: chr7-36419458-A-G. GRCh37 (hg19) VCF-style: chr7-36459067-A-G.
Other names: p.Thr616=; c.1737A>G, p.Thr579= (NM_001284301.3); c.1734A>G, p.Thr578= (NM_001284302.3).
Identifiers: ClinVar variation 737696 (VCV000737696.18), dbSNP rs147584607, ClinGen allele CA4219705.
Genomic context (GRCh38, chr7:36,419,458, plus strand): 5'-AGAACAGGAAGATGCACTGAATATCTCCTCAATGTCTTTACTTGCACCATTGGCACAAAC[A>G]GTTGGTGTGGTAAGTCCAGAGGTAAGAAAAGGCTAACTAAACAGGCCCAGGACATAAGTA-3'
Protein context (NP_061155.2, residues 606-626): SMSLLAPLAQ[Thr616=]VGVVSPESLV

ClinVar aggregate classification (germline): Benign/Likely benign. Review status: criteria provided, multiple submitters, no conflicts (2 of 4 stars). 6 submissions from 6 submitters: Benign (2); Likely benign (4). Last evaluated 2026-01-26.

Conditions:
Focal segmental glomerulosclerosis 8 (FSGS8). Identifiers: Orphanet 656, MedGen C4014993, MONDO:0014462, OMIM 616032.

Allele frequency attached by ClinVar (database versions not stated): gnomAD exomes 0.00043 and 0.00115; gnomAD 0.00052 and 0.00062; ESP Exome Variant Server 0.00085; TOPMed 0.00088; ExAC 0.00116; 1000 Genomes Project 30x 0.00203; 1000 Genomes Project 0.00240.
gnomAD v4.1: 748 of 1,613,784 alleles (0.046%); highest among the groups gnomAD compares: East Asian, 0.75%; 3 homozygotes.

Submissions (14):

Labcorp Genetics (formerly Invitae), Labcorp
Classification: Benign. Last evaluated: 2026-01-26. Review status: criteria provided, single submitter. Criteria: Invitae Variant Classification Sherloc (09022015). Collection method: clinical testing. Allele origin: germline.

Mayo Clinic Laboratories, Mayo Clinic
Classification: Likely benign. Last evaluated: 2025-10-14. Review status: criteria provided, single submitter. Criteria: ACMG Guidelines, 2015. Collection method: clinical testing. Allele origin: germline. Observed: 1 variant allele.
Comment: BS1, BP4, BP7

Blueprint Genetics
Classification: Likely benign. Last evaluated: 2024-10-08. Review status: criteria provided, single submitter. Criteria: ACMG Guidelines, 2015. Collection method: clinical testing. Allele origin: germline.

Genome-Nilou Lab
Classification: Benign for Focal segmental glomerulosclerosis 8. Last evaluated: 2021-12-05. Review status: criteria provided, single submitter. Criteria: ACMG Guidelines, 2015. Collection method: clinical testing. Allele origin: germline. Affected: no.

GeneDx
Classification: Likely benign. Last evaluated: 2021-02-01. Review status: criteria provided, single submitter. Criteria: GeneDx Variant Classification Process June 2021. Collection method: clinical testing. Allele origin: germline. Affected: yes.

Breakthrough Genomics
Classification: Likely benign. Review status: criteria provided, single submitter. Criteria: ACMG Guidelines, 2015. Collection method: not provided. Allele origin: germline. Inheritance: Autosomal dominant inheritance. Affected: yes.

Dr. Peter K. Rogan Lab, Western University
No classification provided (evidence only). Condition: Clear cell carcinoma of kidney. Review status: no classification provided. Collection method: in vitro. Allele origin: not applicable. Functional consequence: retained intron. Not counted in ClinVar's aggregate classification.

Dr. Peter K. Rogan Lab, Western University
No classification provided (evidence only). Condition: Familial cancer of breast. Review status: no classification provided. Collection method: in vitro. Allele origin: not applicable. Functional consequence: retained intron. Not counted in ClinVar's aggregate classification.

Dr. Peter K. Rogan Lab, Western University
No classification provided (evidence only). Condition: Colon adenocarcinoma. Review status: no classification provided. Collection method: in vitro. Allele origin: not applicable. Functional consequence: retained intron. Not counted in ClinVar's aggregate classification.

Dr. Peter K. Rogan Lab, Western University
No classification provided (evidence only). Condition: Thyroid cancer, nonmedullary, 1. Review status: no classification provided. Collection method: in vitro. Allele origin: not applicable. Functional consequence: retained intron. Not counted in ClinVar's aggregate classification.

Dr. Peter K. Rogan Lab, Western University
No classification provided (evidence only). Condition: Thyroid cancer, nonmedullary, 1. Review status: no classification provided. Collection method: in vitro. Allele origin: not applicable. Functional consequence: retained intron. Not counted in ClinVar's aggregate classification.

Dr. Peter K. Rogan Lab, Western University
No classification provided (evidence only). Condition: Hepatocellular carcinoma. Review status: no classification provided. Collection method: in vitro. Allele origin: not applicable. Functional consequence: retained intron. Not counted in ClinVar's aggregate classification.

Dr. Peter K. Rogan Lab, Western University
No classification provided (evidence only). Condition: Gastric cancer. Review status: no classification provided. Collection method: in vitro. Allele origin: not applicable. Functional consequence: retained intron. Not counted in ClinVar's aggregate classification.

Dr. Peter K. Rogan Lab, Western University
No classification provided (evidence only). Condition: Gastric cancer. Review status: no classification provided. Collection method: in vitro. Allele origin: not applicable. Functional consequence: retained intron. Not counted in ClinVar's aggregate classification.